The following is an entry in ClinVar:

NM_001375883.1(GPR161):c.1170G>A (p.Thr390=)

Gene: GPR161 (G protein-coupled receptor 161; minus strand). Cytogenetic location: 1q24.2.
Variant type: single nucleotide variant.
Coding change: c.1170G>A on transcript NM_001375883.1 (MANE Select); coding-DNA position 1170, G replaced by A.
Protein change: p.Thr390=; no amino-acid change (threonine 390 retained).
Molecular consequence: synonymous variant.
Genome position (GRCh38, 1-based): chr1:168,090,598, C>T on the plus strand (G>A on the coding strand, the complement: GPR161 is on the minus strand). VCF-style: chr1-168090598-C-T. GRCh37 (hg19) VCF-style: chr1-168059836-C-T.
Other names: c.1230G>A, p.Thr410= (NM_001267609.1); c.1170G>A, p.Thr390= (NM_001267610.2, NM_001349632.1, NM_001349633.1 and 5 more transcripts); c.1221G>A, p.Thr407= (NM_001267611.1); c.774G>A, p.Thr258= (NM_001267612.2, NM_001349635.1); c.936G>A, p.Thr312= (NM_001267613.1); c.828G>A, p.Thr276= (NM_001267614.1).
Identifiers: ClinVar variation 5041026 (VCV005041026.1).

ClinVar aggregate classification (germline): Likely benign (1 of 4 stars; one submission).

gnomAD v4.1: 69 of 1,610,994 alleles (0.0043%); highest among the groups gnomAD compares: Middle Eastern, 0.033%; no homozygotes.

Submission:

CeGaT Center for Human Genetics Tuebingen
Classification: Likely benign. Last evaluated: 2026-09-01. Review status: criteria provided, single submitter. Criteria: CeGaT Center For Human Genetics Tuebingen Variant Classification Criteria Version 2. Collection method: clinical testing. Allele origin: germline. Affected: yes. Observed: 1 variant allele.
Comment: GPR161: BP4, BP7